The following is an entry in ClinVar:

NM_147127.5(EVC2):c.2095_2096inv (p.Thr699Val)

Gene: EVC2 (EvC ciliary complex subunit 2; minus strand). Cytogenetic location: 4p16.2.
Variant type: Inversion.
Coding change: c.2095_2096inv on transcript NM_147127.5 (MANE Select).
Protein change: p.Thr699Val; replaces threonine 699 with valine.
Molecular consequence: missense variant.
Genome position: GRCh38 VCF-style: chr4-5622942-GT-AC. GRCh37 (hg19) VCF-style: chr4-5624669-GT-AC.
Other names: c.1855_1856inv, p.Thr619Val (NM_001166136.2); short protein forms T619V, T699V.
Identifiers: ClinVar variation 4078621 (VCV004078621.2).

ClinVar aggregate classification (germline): Uncertain significance. Review status: criteria provided, multiple submitters, no conflicts (2 of 4 stars). 2 submissions from 2 submitters: Uncertain significance (2). Last evaluated 2025-05-04.

Conditions:
Ellis-van Creveld syndrome (EVC). Also called: EVC-Related Ellis-van Creveld Syndrome; EVC2-Related Ellis-van Creveld Syndrome; MESOECTODERMAL DYSPLASIA; Chondroectodermal dysplasia. Identifiers: Orphanet 289, MedGen C0013903, MONDO:0009162, OMIM 225500.
Curry-Hall syndrome (WAD). Also called: WEYERS ACRODENTAL DYSOSTOSIS. Identifiers: Orphanet 952, MedGen C0457013, MONDO:0008673, OMIM 193530.

Submissions (2):

Labcorp Genetics (formerly Invitae), Labcorp
Classification: Uncertain significance for Curry-Hall syndrome; Ellis-van Creveld syndrome. Last evaluated: 2025-05-04. Review status: criteria provided, single submitter. Criteria: Invitae Variant Classification Sherloc (09022015). Collection method: clinical testing. Allele origin: germline.
Comment: This sequence change replaces threonine, which is neutral and polar, with valine, which is neutral and non-polar, at codon 699 of the EVC2 protein (p.Thr699Val). The frequency data for this variant in the population databases is considered unreliable, as metrics indicate poor data quality at this position in the gnomAD database. This variant has not been reported in the literature in individuals affected with EVC2-related conditions. An algorithm developed to predict the effect of missense changes on protein structure and function (PolyPhen-2) suggests that this variant is likely to be tolerated. In summary, the available evidence is currently insufficient to determine the role of this variant in disease. Therefore, it has been classified as a Variant of Uncertain Significance.

Revvity Omics, Revvity
Classification: Uncertain significance. Last evaluated: 2025-04-09. Review status: criteria provided, single submitter. Criteria: ACMG Guidelines, 2015. Collection method: clinical testing. Allele origin: germline.